The following is an entry in ClinVar:

NM_007294.4(BRCA1):c.3497C>A (p.Ala1166Asp)

Genes: BRCA1 (BRCA1 DNA repair associated; minus strand), LOC126862571 (BRD4-independent group 4 enhancer GRCh37_chr17:41243136-41244335; plus strand). Cytogenetic location: 17q21.31.
Variant type: single nucleotide variant.
Coding change: c.3497C>A on transcript NM_007294.4 (MANE Select); coding-DNA position 3497, C replaced by A.
Protein change: p.Ala1166Asp; replaces alanine 1166 with aspartic acid.
Molecular consequence: missense variant. On other transcripts: intron variant (135).
Genome position (GRCh38, 1-based): chr17:43,092,034, G>T on the plus strand (C>A on the coding strand, the complement: BRCA1 is on the minus strand). VCF-style: chr17-43092034-G-T. GRCh37 (hg19) VCF-style: chr17-41244051-G-T.
Other names: c.3353C>A, p.Ala1118Asp (NM_001407746.1, NM_001407747.1, NM_001407748.1 and 20 more transcripts); c.3356C>A, p.Ala1119Asp (NM_001407750.1, NM_001407751.1, NM_001407752.1 and 29 more transcripts); c.3284C>A, p.Ala1095Asp (NM_001407571.1, NM_001407853.1, NM_001407894.1 and 9 more transcripts); c.3497C>A, p.Ala1166Asp (NM_001407581.1, NM_001407582.1, NM_001407583.1 and 30 more transcripts); c.3494C>A, p.Ala1165Asp (NM_001407587.1, NM_001407590.1, NM_001407591.1 and 22 more transcripts); c.3488C>A, p.Ala1163Asp (NM_001407646.1, NM_001407647.1); c.3374C>A, p.Ala1125Asp (NM_001407648.1, NM_001407664.1, NM_001407665.1 and 19 more transcripts); c.3371C>A, p.Ala1124Asp (NM_001407649.1, NM_001407670.1, NM_001407671.1 and 11 more transcripts); and 41 more; short protein forms A1098D, A1099D, A1140D, A1165D, A998D, A1077D, A1078D, A1096D.
Identifiers: ClinVar variation 2832858 (VCV002832858.3), dbSNP rs2154308367, ClinGen allele CA10594981.

ClinVar aggregate classification (germline): Uncertain significance (1 of 4 stars; one submission).

Conditions:
Hereditary breast ovarian cancer syndrome. Also called: Hereditary breast and ovarian cancer; BRCA1- and BRCA2-Associated Hereditary Breast and Ovarian Cancer; Hereditary breast and ovarian cancer syndrome; Hereditary breast and ovarian cancer syndrome (HBOC); Breast and ovarian cancer; Hereditary breast and/or ovarian cancer syndrome. Identifiers: Orphanet 145, MedGen C0677776, MeSH D061325, MONDO:0003582. Disease mechanism: loss of function.

Submission:

Labcorp Genetics (formerly Invitae), Labcorp
Classification: Uncertain significance for Hereditary breast ovarian cancer syndrome. Last evaluated: 2023-07-19. Review status: criteria provided, single submitter. Criteria: Invitae Variant Classification Sherloc (09022015). Collection method: clinical testing. Allele origin: germline.
Comment: This sequence change replaces alanine, which is neutral and non-polar, with aspartic acid, which is acidic and polar, at codon 1166 of the BRCA1 protein (p.Ala1166Asp). This variant is not present in population databases (gnomAD no frequency). This variant has not been reported in the literature in individuals affected with BRCA1-related conditions. Advanced modeling of protein sequence and biophysical properties (such as structural, functional, and spatial information, amino acid conservation, physicochemical variation, residue mobility, and thermodynamic stability) performed at Invitae indicates that this missense variant is not expected to disrupt BRCA1 protein function. In summary, the available evidence is currently insufficient to determine the role of this variant in disease. Therefore, it has been classified as a Variant of Uncertain Significance.